The following is an entry in ClinVar:

NM_016824.5(ADD3):c.1078T>G (p.Ser360Ala)

Gene: ADD3 (adducin 3; plus strand). Cytogenetic location: 10q25.2.
Variant type: single nucleotide variant.
Coding change: c.1078T>G on transcript NM_016824.5 (MANE Select); coding-DNA position 1078, T replaced by G.
Protein change: p.Ser360Ala; replaces serine 360 with alanine.
Molecular consequence: missense variant.
Genome position (GRCh38, 1-based): chr10:110,122,227, T>G. VCF-style: chr10-110122227-T-G. GRCh37 (hg19) VCF-style: chr10-111881985-T-G.
Other names: c.1078T>G, p.Ser360Ala (NM_001320592.2, NM_001320593.2, NM_019903.5 and 2 more transcripts); c.844T>G, p.Ser282Ala (NM_001320594.2); short protein forms S282A, S360A.
Identifiers: ClinVar variation 2886663 (VCV002886663.3), dbSNP rs151062640, ClinGen allele CA5686534.

ClinVar aggregate classification (germline): Uncertain significance (1 of 4 stars; one submission).

Allele frequency attached by ClinVar (database versions not stated): ExAC 0.00001; gnomAD exomes 0.00002; gnomAD 0.00003; TOPMed 0.00004.
gnomAD v4.1: 40 of 1,613,988 alleles (0.0025%); highest among the groups gnomAD compares: Non-Finnish European, 0.0031%; no homozygotes.

Submission:

Labcorp Genetics (formerly Invitae), Labcorp
Classification: Uncertain significance. Last evaluated: 2022-10-25. Review status: criteria provided, single submitter. Criteria: Invitae Variant Classification Sherloc (09022015). Collection method: clinical testing. Allele origin: germline.
Comment: This variant has not been reported in the literature in individuals affected with ADD3-related conditions. This variant is present in population databases (rs151062640, gnomAD 0.007%). This sequence change replaces serine, which is neutral and polar, with alanine, which is neutral and non-polar, at codon 360 of the ADD3 protein (p.Ser360Ala). Advanced modeling of protein sequence and biophysical properties (such as structural, functional, and spatial information, amino acid conservation, physicochemical variation, residue mobility, and thermodynamic stability) performed at Invitae indicates that this missense variant is not expected to disrupt ADD3 protein function. In summary, the available evidence is currently insufficient to determine the role of this variant in disease. Therefore, it has been classified as a Variant of Uncertain Significance.